The following is an entry in ClinVar:

NM_000426.4(LAMA2):c.1885-1G>A

Gene: LAMA2 (laminin subunit alpha 2; plus strand). Cytogenetic location: 6q22.33.
Variant type: single nucleotide variant.
Coding change: c.1885-1G>A on transcript NM_000426.4 (MANE Select); the canonical splice acceptor site of the intron before coding-DNA position 1885, G replaced by A.
Molecular consequence: splice acceptor variant.
Genome position (GRCh38, 1-based): chr6:129,252,083, G>A. VCF-style: chr6-129252083-G-A. GRCh37 (hg19) VCF-style: chr6-129573228-G-A.
Other names: c.1885-1G>A (NM_001079823.2).
Identifiers: ClinVar variation 2418679 (VCV002418679.9), dbSNP rs2482129454, ClinGen allele CA365610055.

ClinVar aggregate classification (germline): Likely pathogenic. Review status: criteria provided, multiple submitters, no conflicts (2 of 4 stars). 2 submissions from 2 submitters: Likely pathogenic (2). Last evaluated 2025-12-08.

Conditions:
Muscular dystrophy, limb-girdle, autosomal recessive 23. Identifiers: Orphanet 565837, MedGen C4748327, MONDO:0029136, OMIM 618138.
LAMA2-related muscular dystrophy (LAMA2-RD). Also called: Laminin alpha 2-related dystrophy. Identifiers: MedGen C5679788, MONDO:0100228.

Submissions (2):

3billion
Classification: Likely pathogenic for Muscular dystrophy, limb-girdle, autosomal recessive 23. Last evaluated: 2025-12-08. Review status: criteria provided, single submitter. Criteria: ACMG Guidelines, 2015. Collection method: clinical testing. Allele origin: germline. Affected: yes.
Comment: The variant is not observed in the gnomAD v4.1.0 dataset. Predicted Consequence/Location: Canonical splice site: predicted to alter splicing and result in a loss or disruption of normal protein function. Multiple pathogenic loss-of-function variants are reported downstream of the variant. In silico tools predict the variant to alter splicing and produce an abnormal transcript [SpliceAI: 1.00 (spliceogenicity >=0.2, non-spliceogenicity <0.1)]. The variant has been reported to be associated with LAMA2-related disorder (ClinVar ID: VCV002418679). Therefore, this variant is classified as Likely pathogenic according to the recommendation of ACMG/AMP guideline.

Labcorp Genetics (formerly Invitae), Labcorp
Classification: Likely pathogenic for LAMA2-related muscular dystrophy. Last evaluated: 2024-01-14. Review status: criteria provided, single submitter. Criteria: Invitae Variant Classification Sherloc (09022015). Collection method: clinical testing. Allele origin: germline.
Comment: This sequence change affects an acceptor splice site in intron 13 of the LAMA2 gene. It is expected to disrupt RNA splicing. Variants that disrupt the donor or acceptor splice site typically lead to a loss of protein function (PMID: 16199547), and loss-of-function variants in LAMA2 are known to be pathogenic (PMID: 18700894, 32904964). This variant is not present in population databases (gnomAD no frequency). This variant has not been reported in the literature in individuals affected with LAMA2-related conditions. ClinVar contains an entry for this variant (Variation ID: 2418679). Algorithms developed to predict the effect of sequence changes on RNA splicing suggest that this variant may disrupt the consensus splice site. In summary, the currently available evidence indicates that the variant is pathogenic, but additional data are needed to prove that conclusively. Therefore, this variant has been classified as Likely Pathogenic.

Literature cited by the submitters: PubMed 16199547 (cited by Labcorp Genetics (formerly Invitae), Labcorp); PubMed 18700894 (cited by Labcorp Genetics (formerly Invitae), Labcorp); PubMed 32904964 (cited by Labcorp Genetics (formerly Invitae), Labcorp).